The following is an entry in ClinVar:

NM_007294.4(BRCA1):c.4357+5G>A

Gene: BRCA1 (BRCA1 DNA repair associated; minus strand). Cytogenetic location: 17q21.31.
Variant type: single nucleotide variant.
Coding change: c.4357+5G>A on transcript NM_007294.4 (MANE Select); 5 bases into the intron after coding-DNA position 4357, G replaced by A.
Molecular consequence: intron variant.
Genome position (GRCh38, 1-based): chr17:43,082,399, C>T on the plus strand (G>A on the coding strand, the complement: BRCA1 is on the minus strand). VCF-style: chr17-43082399-C-T. GRCh37 (hg19) VCF-style: chr17-41234416-C-T.
Other names: c.907+5G>A (NM_001408458.1, NM_001408453.1, NM_001408461.1 and 8 more transcripts); c.3469+5G>A (NM_001407967.1, NM_001407966.1); c.3976+5G>A (NM_001407959.1, NM_001407960.1); c.4090+5G>A (NM_001407931.1, NM_001407932.1, NM_001407935.1 and 3 more transcripts); c.4213+5G>A (NM_001407747.1, NM_001407839.1, NM_001407745.1 and 23 more transcripts); c.3973+5G>A (NM_001407962.1, NM_001407963.1); c.544+5G>A (NM_001408512.1); c.667+5G>A (NM_001408510.1); and 51 more.
Identifiers: ClinVar variation 531226 (VCV000531226.10), dbSNP rs1555583976, ClinGen allele CA658798848.

ClinVar aggregate classification (germline): Uncertain significance. Review status: criteria provided, multiple submitters, no conflicts (2 of 4 stars). 3 submissions from 3 submitters: Uncertain significance (3). Last evaluated 2025-09-30.

Conditions:
Hereditary breast ovarian cancer syndrome. Also called: Breast and ovarian cancer; Hereditary breast and/or ovarian cancer syndrome; BRCA1- and BRCA2-Associated Hereditary Breast and Ovarian Cancer; Hereditary breast and ovarian cancer syndrome; Hereditary breast and ovarian cancer syndrome (HBOC); Hereditary breast and ovarian cancer. Identifiers: Orphanet 145, MedGen C0677776, MeSH D061325, MONDO:0003582. Disease mechanism: loss of function.
Breast-ovarian cancer, familial, susceptibility to, 1 (BROVCA1). Also called: BRCA1 Hereditary Breast and Ovarian Cancer; OVARIAN CANCER, SUSCEPTIBILITY TO. Identifiers: Orphanet 145, MedGen C2676676, MONDO:0011450, OMIM 604370. Disease mechanism: loss of function.

Submissions (3):

Labcorp Genetics (formerly Invitae), Labcorp
Classification: Uncertain significance for Hereditary breast ovarian cancer syndrome. Last evaluated: 2025-09-30. Review status: criteria provided, single submitter. Criteria: Invitae Variant Classification Sherloc (09022015). Collection method: clinical testing. Allele origin: germline.
Comment: This sequence change falls in intron 12 of the BRCA1 gene. It does not directly change the encoded amino acid sequence of the BRCA1 protein. It affects a nucleotide within the consensus splice site. This variant is not present in population databases (gnomAD no frequency). This variant has not been reported in the literature in individuals affected with BRCA1-related conditions. ClinVar contains an entry for this variant (Variation ID: 531226). Variants that disrupt the consensus splice site are a relatively common cause of aberrant splicing (PMID: 17576681, 9536098). Algorithms developed to predict the effect of sequence changes on RNA splicing suggest that this variant may disrupt the consensus splice site. In summary, the available evidence is currently insufficient to determine the role of this variant in disease. Therefore, it has been classified as a Variant of Uncertain Significance.

GeneDx
Classification: Uncertain significance. Last evaluated: 2025-06-10. Review status: criteria provided, single submitter. Criteria: GeneDx Variant Classification Process June 2021. Collection method: clinical testing. Allele origin: germline. Affected: yes.
Comment: Not observed at significant frequency in large population cohorts (gnomAD); In silico analysis supports a deleterious effect on splicing; Has not been previously published as pathogenic or benign to our knowledge; Also known as IVS13+5G>A

Baylor Genetics
Classification: Uncertain significance for Breast-ovarian cancer, familial, susceptibility to, 1. Last evaluated: 2022-03-08. Review status: criteria provided, single submitter. Criteria: ACMG Guidelines, 2015. Collection method: clinical testing. Allele origin: unknown.

Literature cited by the submitters: PubMed 17576681 (cited by Labcorp Genetics (formerly Invitae), Labcorp); PubMed 9536098 (cited by Labcorp Genetics (formerly Invitae), Labcorp).